The following is an entry in ClinVar:

ClinVar aggregate classification (germline): Conflicting classifications of pathogenicity. Review status: criteria provided, conflicting classifications (1 of 4 stars). 2 submissions from 2 submitters: Uncertain significance (1); Likely benign (1). Last evaluated 2025-07-25.

Conditions:
RERE-related disorder. Also called: RERE-related condition; RERE-Related Disorders. Identifiers: MedGen CN381537.
Inborn genetic diseases. Identifiers: MedGen C0950123, MeSH D030342.

Allele frequency attached by ClinVar (database versions not stated): TOPMed 0.00002; ExAC 0.00003; gnomAD 0.00003.
gnomAD v4.1: 104 of 1,575,858 alleles (0.0066%); highest among the groups gnomAD compares: East Asian, 0.051%; no homozygotes.

Submissions (2):

PreventionGenetics, part of Exact Sciences
Classification: Likely benign for RERE-related condition. Last evaluated: 2025-07-25. Review status: criteria provided, single submitter. Criteria: ACMG Guidelines, 2015. Collection method: clinical testing. Allele origin: germline.
Comment: This variant is classified as likely benign based on ACMG/AMP sequence variant interpretation guidelines (Richards et al. 2015 PMID: 25741868, with internal and published modifications).

Ambry Genetics
Classification: Uncertain significance for Inborn genetic diseases. Last evaluated: 2023-07-05. Review status: criteria provided, single submitter. Criteria: Ambry Variant Classification Scheme 2023. Collection method: clinical testing. Allele origin: germline.

NM_001042681.2(RERE):c.3251C>T (p.Ser1084Leu)

Gene: RERE (arginine-glutamic acid dipeptide repeats; minus strand). Cytogenetic location: 1p36.23.
Variant type: single nucleotide variant.
Coding change: c.3251C>T on transcript NM_001042681.2 (MANE Select); coding-DNA position 3251, C replaced by T.
Protein change: p.Ser1084Leu; replaces serine 1084 with leucine.
Molecular consequence: missense variant.
Genome position (GRCh38, 1-based): chr1:8,360,256, G>A on the plus strand (C>T on the coding strand, the complement: RERE is on the minus strand). VCF-style: chr1-8360256-G-A. GRCh37 (hg19) VCF-style: chr1-8420316-G-A.
Other names: c.1589C>T, p.Ser530Leu (NM_001042682.2); c.3251C>T, p.Ser1084Leu (NM_012102.4); short protein forms S1084L, S530L.
Identifiers: ClinVar variation 2592526 (VCV002592526.3), dbSNP rs749344552, ClinGen allele CA571214.